The following is an entry in ClinVar:

NM_000219.6(KCNE1):c.161T>G (p.Phe54Cys)

Gene: KCNE1 (potassium voltage-gated channel subfamily E regulatory subunit 1; minus strand). Cytogenetic location: 21q22.12.
Variant type: single nucleotide variant.
Coding change: c.161T>G on transcript NM_000219.6 (MANE Select); coding-DNA position 161, T replaced by G.
Protein change: p.Phe54Cys; replaces phenylalanine 54 with cysteine.
Molecular consequence: missense variant.
Genome position (GRCh38, 1-based): chr21:34,449,474, A>C on the plus strand (T>G on the coding strand, the complement: KCNE1 is on the minus strand). VCF-style: chr21-34449474-A-C. GRCh37 (hg19) VCF-style: chr21-35821772-A-C.
Other names: c.161T>G, p.Phe54Cys (NM_001127668.4, NM_001127669.4, NM_001127670.4 and 4 more transcripts); short protein forms F54C.
Identifiers: ClinVar variation 3374209 (VCV003374209.2).

Conditions:
Long QT syndrome 5 (LQT5). Identifiers: Orphanet 101016, Orphanet 768, MedGen C1867904, MONDO:0013372, OMIM 613695.

Submission:

Roden Lab, Vanderbilt University Medical Center
No classification provided (evidence only). Condition: Long QT syndrome 5. Review status: no classification provided. Collection method: in vitro. Allele origin: not applicable. Functional consequence: Effect on ion channel function.
ClinVar note: "not provided" was previously submitted as the classification for the variant. However, the classification appeared to be based only on an observation of functional data so it was converted to no classification on 2025-07-30.